The following is an entry in ClinVar:

NM_006073.4(TRDN):c.713A>C (p.Lys238Thr)

Gene: TRDN (triadin; minus strand). Cytogenetic location: 6q22.31.
Variant type: single nucleotide variant.
Coding change: c.713A>C on transcript NM_006073.4 (MANE Select); coding-DNA position 713, A replaced by C.
Protein change: p.Lys238Thr; replaces lysine 238 with threonine.
Molecular consequence: missense variant.
Genome position (GRCh38, 1-based): chr6:123,503,799, T>G on the plus strand (A>C on the coding strand, the complement: TRDN is on the minus strand). VCF-style: chr6-123503799-T-G. GRCh37 (hg19) VCF-style: chr6-123824944-T-G.
Other names: c.713A>C, p.Lys238Thr (NM_001251987.2, NM_001256020.2, NM_001256021.2 and 1 more transcripts); short protein forms K238T.
Identifiers: ClinVar variation 4844300 (VCV004844300.1).

ClinVar aggregate classification (germline): Uncertain significance (1 of 4 stars; one submission).

Conditions:
Cardiovascular phenotype. Identifiers: MedGen CN230736.

gnomAD v4.1: 1 of 1,613,146 alleles (0.000062%); highest among the groups gnomAD compares: Non-Finnish European, 0.000085%; no homozygotes.

Submission:

Ambry Genetics
Classification: Uncertain significance for Cardiovascular phenotype. Last evaluated: 2026-02-14. Review status: criteria provided, single submitter. Criteria: Ambry Variant Classification Scheme 2023. Collection method: clinical testing. Allele origin: germline.
Comment: The p.K238T variant (also known as c.713A>C), located in coding exon 8 of the TRDN gene, results from an A to C substitution at nucleotide position 713. The lysine at codon 238 is replaced by threonine, an amino acid with similar properties. This amino acid position is conserved. In addition, this alteration is predicted to be tolerated by in silico analysis. Based on the available evidence, the clinical significance of this variant remains unclear.